The following is an entry in ClinVar:

NM_000478.6(ALPL):c.1027G>C (p.Gly343Arg)

Gene: ALPL (alkaline phosphatase, biomineralization associated; plus strand). Cytogenetic location: 1p36.12.
Variant type: single nucleotide variant.
Coding change: c.1027G>C on transcript NM_000478.6 (MANE Select); coding-DNA position 1027, G replaced by C.
Protein change: p.Gly343Arg; replaces glycine 343 with arginine.
Molecular consequence: missense variant.
Genome position (GRCh38, 1-based): chr1:21,575,762, G>C. VCF-style: chr1-21575762-G-C. GRCh37 (hg19) VCF-style: chr1-21902255-G-C.
Other names: c.862G>C, p.Gly288Arg (NM_001127501.4); c.796G>C, p.Gly266Arg (NM_001177520.3); c.1027G>C, p.Gly343Arg (NM_001369803.2, NM_001369804.2, NM_001369805.2); short protein forms G266R, G288R, G343R.
Identifiers: ClinVar variation 4799869 (VCV004799869.1).
Genomic context (GRCh38, chr1:21,575,762, plus strand): 5'-CTCACCGAGGCCTTTGCCTTGGTGTCCCAAGGAGGCAGAATTGACCACGGGCACCATGAA[G>C]GAAAAGCCAAGCAGGCCCTGCATGAGGCGGTGGAGATGGACCGGGCCATCGGGCAGGCAG-3'
Protein context (NP_000469.3, residues 333-353): GGRIDHGHHE[Gly343Arg]KAKQALHEAV

ClinVar aggregate classification (germline): Uncertain significance (1 of 4 stars; one submission).

Submission:

Labcorp Genetics (formerly Invitae), Labcorp
Classification: Uncertain significance. Last evaluated: 2025-05-26. Review status: criteria provided, single submitter. Criteria: Invitae Variant Classification Sherloc (09022015). Collection method: clinical testing. Allele origin: germline.
Comment: This sequence change replaces glycine, which is neutral and non-polar, with arginine, which is basic and polar, at codon 343 of the ALPL protein (p.Gly343Arg). This variant is not present in population databases (gnomAD no frequency). This variant has not been reported in the literature in individuals affected with ALPL-related conditions. Invitae Evidence Modeling of protein sequence and biophysical properties (such as structural, functional, and spatial information, amino acid conservation, physicochemical variation, residue mobility, and thermodynamic stability) indicates that this missense variant is expected to disrupt ALPL protein function with a positive predictive value of 95%. In summary, the available evidence is currently insufficient to determine the role of this variant in disease. Therefore, it has been classified as a Variant of Uncertain Significance.